The following is an entry in ClinVar:

NM_017449.5(EPHB2):c.*213A>G

Gene: EPHB2 (EPH receptor B2; plus strand). Cytogenetic location: 1p36.12.
Variant type: single nucleotide variant.
Coding change: c.*213A>G on transcript NM_017449.5 (MANE Select); 213 bases downstream of the stop codon, A replaced by G.
Molecular consequence: 3 prime UTR variant. On other transcripts: synonymous variant (1).
Genome position (GRCh38, 1-based): chr1:22,913,783, A>G. VCF-style: chr1-22913783-A-G. GRCh37 (hg19) VCF-style: chr1-23240276-A-G.
Other names: c.*213A>G (NM_001309192.2, NM_004442.7); c.3081A>G, p.Thr1027= (NM_001309193.2).
Identifiers: ClinVar variation 3040119 (VCV003040119.2), dbSNP rs377584109, ClinGen allele CA679201.

ClinVar aggregate classification (germline): Likely benign (0 of 4 stars; one submission).

Conditions:
EPHB2-related disorder. Also called: EPHB2-related condition.

Allele frequency attached by ClinVar (database versions not stated): ExAC 0.00005; gnomAD 0.00007; TOPMed 0.00008; ESP Exome Variant Server 0.00010; gnomAD exomes 0.00018.
gnomAD v4.1: 271 of 1,608,514 alleles (0.017%); highest among the groups gnomAD compares: Non-Finnish European, 0.022%; no homozygotes.

Submission:

PreventionGenetics, part of Exact Sciences
Classification: Likely benign for EPHB2-related condition. Last evaluated: 2020-01-06. Review status: no assertion criteria provided. Collection method: clinical testing. Allele origin: germline.
Comment: This variant is classified as likely benign based on ACMG/AMP sequence variant interpretation guidelines (Richards et al. 2015 PMID: 25741868, with internal and published modifications).